The following is an entry in ClinVar:

ClinVar aggregate classification (germline): Likely pathogenic. Review status: reviewed by expert panel (3 of 4 stars). 2 submissions from 2 submitters: Likely pathogenic (1). 1 of the submissions does not count toward it. Last evaluated 2026-06-17.

Conditions:
Phenylketonuria (PKU). Also called: Phenylketonuria (PKU); FOLLING DISEASE; OLIGOPHRENIA PHENYLPYRUVICA; Phenylketonurias. Identifiers: Orphanet 716, MedGen C0031485, MONDO:0009861, OMIM 261600. Disease mechanism: loss of function.

Submissions (2):

ClinGen PAH Variant Curation Expert Panel
Classification: Likely pathogenic for Phenylketonuria. Last evaluated: 2026-06-17. Review status: reviewed by expert panel. Criteria: ClinGen PAH ACMG Specifications PAH V2.0.0. Collection method: curation. Allele origin: germline. Inheritance: Autosomal recessive inheritance.
Comment: The c.614A>C variant in PAH is a missense variant predicted to cause substitution of glutamic acid by alanine at amino acid 205 (p.Glu205Ala). At least one patient with this variant displayed plasma phenylalanine concentration persistently above 120umol/L (2mg/dL) without analysis of urine pterins, DHPR activity, or sequencing to exclude defects of BH4 cofactor metabolism, which is highly specific for PAH deficiency (PP4_Supporting, PMID: 11180595). This variant is absent from gnomAD v4.1.0 (PM2_Supporting). The computational predictor REVEL gives a score of 0.969, which meets the threshold of 0.932, evidence that correlates with strong impact to PAH function (PP3_Strong). Another missense variant c.613G>A (p.Glu205Lys) [ClinVar Variation ID: 102759] in the same codon has been classified as likely pathogenic for PAH deficiency by the ClinGen PAH Variant Curation Expert Panel (PM5_Supporting). In summary, this variant meets the criteria to be classified as likely pathogenic for autosomal recessive PAH deficiency based on the ACMG/AMP criteria applied, as specified by the ClinGen PAH Variant Curation Expert Panel: PP3_strong, PP4, PM2_supporting, PM3_supporting, PM5_supporting (PAH VCEP specifications version 2.0.0; approved July 16, 2024).

DeBelle Laboratory for Biochemical Genetics, MUHC/MCH RESEARCH INSTITUTE
No classification provided. Review status: no classification provided. Collection method: not provided. Allele origin: not provided. Not counted in ClinVar's aggregate classification.

NM_000277.3(PAH):c.614A>C (p.Glu205Ala)

Gene: PAH (phenylalanine hydroxylase; minus strand). Cytogenetic location: 12q23.2.
Variant type: single nucleotide variant.
Coding change: c.614A>C on transcript NM_000277.3 (MANE Select); coding-DNA position 614, A replaced by C.
Protein change: p.Glu205Ala; replaces glutamic acid 205 with alanine.
Molecular consequence: missense variant.
Genome position (GRCh38, 1-based): chr12:102,855,228, T>G on the plus strand (A>C on the coding strand, the complement: PAH is on the minus strand). VCF-style: chr12-102855228-T-G. GRCh37 (hg19) VCF-style: chr12-103249006-T-G.
Other names: NM_000277.1(PAH):c.614A>C; c.614A>C, p.Glu205Ala (NM_001354304.2); short protein forms E205A.
Identifiers: ClinVar variation 102760 (VCV000102760.2), dbSNP rs62508593, ClinGen allele CA229658.
Genomic context (GRCh38, chr12:102,855,228, plus strand): 5'-GGAATGTTATCTTCATGGAAGCCACAGTACTTTTCAAGAAGTGGAAAAATGTGATTGTAC[T>G]CATAGCAAGCATGGGTTTTATACAAGGACTTCAGAGTCTTGAACACTGTGCCCCATGTTT-3'
Protein context (NP_000268.1, residues 195-215): KSLYKTHACY[Glu205Ala]YNHIFPLLEK